The following is an entry in ClinVar:

NM_001368067.1(LDB3):c.390G>A (p.Ser130=)

Genes: LDB3 (LIM domain binding 3; plus strand), LOC110121486 (VISTA enhancer hs2143; plus strand). Cytogenetic location: 10q23.2.
Variant type: single nucleotide variant.
Coding change: c.390G>A on transcript NM_001368067.1 (MANE Plus Clinical); coding-DNA position 390, G replaced by A.
Protein change: p.Ser130=; no amino-acid change (serine 130 retained).
Molecular consequence: synonymous variant. On other transcripts: intron variant (5).
Genome position (GRCh38, 1-based): chr10:86,687,114, G>A. VCF-style: chr10-86687114-G-A. GRCh37 (hg19) VCF-style: chr10-88446871-G-A.
Other names: c.390G>A, p.Ser130= (NM_001080114.2, NM_001080116.1, NM_001368066.1 and 1 more transcripts); c.735G>A, p.Ser245= (NM_001171610.2, NM_001171611.2); c.690-4782G>A (NM_001368064.1, NM_001368063.1, NM_007078.3 and 2 more transcripts).
Identifiers: ClinVar variation 378080 (VCV000378080.13), dbSNP rs568549202, ClinGen allele CA5584811.

ClinVar aggregate classification (germline): Benign. Review status: criteria provided, multiple submitters, no conflicts (2 of 4 stars). 2 submissions from 2 submitters: Benign (2). Last evaluated 2025-03-20.

Conditions:
Myofibrillar myopathy 4. Also called: Zaspopathy (type). Identifiers: Orphanet 98912, MedGen C4721886, MONDO:0012277, OMIM 609452.

Allele frequency attached by ClinVar (database versions not stated): gnomAD exomes 0.00003 and 0.00009; gnomAD 0.00004 and 0.00005; ExAC 0.00009; TOPMed 0.00013; 1000 Genomes Project 30x 0.00016; 1000 Genomes Project 0.00020.
gnomAD v4.1: 51 of 1,614,116 alleles (0.0032%); highest among the groups gnomAD compares: East Asian, 0.053%; no homozygotes.

Submissions (2):

Labcorp Genetics (formerly Invitae), Labcorp
Classification: Benign for Myofibrillar myopathy 4. Last evaluated: 2025-03-20. Review status: criteria provided, single submitter. Criteria: Invitae Variant Classification Sherloc (09022015). Collection method: clinical testing. Allele origin: germline.

GeneDx
Classification: Benign. Last evaluated: 2015-07-23. Review status: criteria provided, single submitter. Criteria: GeneDx Variant Classification (06012015). Collection method: clinical testing. Allele origin: germline. Affected: yes.
Comment: This variant is considered likely benign or benign based on one or more of the following criteria: it is a conservative change, it occurs at a poorly conserved position in the protein, it is predicted to be benign by multiple in silico algorithms, and/or has population frequency not consistent with disease.